The following is an entry in ClinVar:

ClinVar aggregate classification (germline): Uncertain significance. Review status: criteria provided, multiple submitters, no conflicts (2 of 4 stars). 3 submissions from 3 submitters: Uncertain significance (3). Last evaluated 2025-10-02.

Conditions:
Polycystic liver disease 1 (PCLD1). Also called: Polycystic liver disease 1 with or without kidney cysts. Identifiers: Orphanet 2924, MedGen C0887850, MONDO:0008265, OMIM 174050.
Inborn genetic diseases. Identifiers: MedGen C0950123, MeSH D030342.

Allele frequency attached by ClinVar (database versions not stated): gnomAD 0.00003.

Submissions (3):

Labcorp Genetics (formerly Invitae), Labcorp
Classification: Uncertain significance. Last evaluated: 2025-10-02. Review status: criteria provided, single submitter. Criteria: Invitae Variant Classification Sherloc (09022015). Collection method: clinical testing. Allele origin: germline.
Comment: This sequence change replaces lysine, which is basic and polar, with asparagine, which is neutral and polar, at codon 167 of the PRKCSH protein (p.Lys167Asn). This variant is present in population databases (rs574172631, gnomAD 0.004%). This variant has not been reported in the literature in individuals affected with PRKCSH-related conditions. ClinVar contains an entry for this variant (Variation ID: 3218806). An algorithm developed to predict the effect of missense changes on protein structure and function (PolyPhen-2) suggests that this variant is likely to be disruptive. In summary, the available evidence is currently insufficient to determine the role of this variant in disease. Therefore, it has been classified as a Variant of Uncertain Significance.

Fulgent Genetics
Classification: Uncertain significance for Polycystic liver disease 1. Last evaluated: 2024-06-03. Review status: criteria provided, single submitter. Criteria: ACMG Guidelines, 2015. Collection method: clinical testing. Allele origin: germline.

Ambry Genetics
Classification: Uncertain significance for Inborn genetic diseases. Last evaluated: 2022-10-03. Review status: criteria provided, single submitter. Criteria: Ambry Variant Classification Scheme 2023. Collection method: clinical testing. Allele origin: germline.

NM_001289104.2(PRKCSH):c.501G>T (p.Lys167Asn)

Gene: PRKCSH (PRKCSH beta subunit of glucosidase II; plus strand). Cytogenetic location: 19p13.2.
Variant type: single nucleotide variant.
Coding change: c.501G>T on transcript NM_001289104.2 (MANE Select); coding-DNA position 501, G replaced by T.
Protein change: p.Lys167Asn; replaces lysine 167 with asparagine.
Molecular consequence: missense variant.
Genome position (GRCh38, 1-based): chr19:11,442,418, G>T. VCF-style: chr19-11442418-G-T. GRCh37 (hg19) VCF-style: chr19-11553233-G-T.
Other names: c.501G>T, p.Lys167Asn (NM_001001329.3, NM_001289102.2, NM_001289103.2 and 3 more transcripts); short protein forms K167N.
Identifiers: ClinVar variation 3218806 (VCV003218806.3), dbSNP rs574172631, ClinGen allele CA305350930.
Genomic context (GRCh38, chr19:11,442,418, plus strand): 5'-GCTGGTCTCTTGCCTTCTGCCCACCCAGAAAAAGCTCATTGAGCTACAGGCTGGGAAGAA[G>T]TCTCTGGAAGACCAGGTGGAGATGCTGCGGACAGTGAAGGAGGAAGCTGAGAAGCCAGAG-3'
Protein context (NP_001276033.1, residues 157-177): KKLIELQAGK[Lys167Asn]SLEDQVEMLR